The following is an entry in ClinVar:

NM_002181.4(IHH):c.301C>A (p.Arg101Ser)

Gene: IHH (Indian hedgehog signaling molecule; minus strand). Cytogenetic location: 2q35.
Variant type: single nucleotide variant.
Coding change: c.301C>A on transcript NM_002181.4 (MANE Select); coding-DNA position 301, C replaced by A.
Protein change: p.Arg101Ser; replaces arginine 101 with serine.
Molecular consequence: missense variant.
Genome position (GRCh38, 1-based): chr2:219,060,167, G>T on the plus strand (C>A on the coding strand, the complement: IHH is on the minus strand). VCF-style: chr2-219060167-G-T. GRCh37 (hg19) VCF-style: chr2-219924889-G-T.
Other names: short protein forms R101S.
Identifiers: ClinVar variation 1478441 (VCV001478441.6), dbSNP rs1379301732, ClinGen allele CA350636643.

ClinVar aggregate classification (germline): Uncertain significance (1 of 4 stars; one submission).

Allele frequency attached by ClinVar (database versions not stated): TOPMed below 0.00001.

Submission:

Labcorp Genetics (formerly Invitae), Labcorp
Classification: Uncertain significance. Last evaluated: 2023-08-17. Review status: criteria provided, single submitter. Criteria: Invitae Variant Classification Sherloc (09022015). Collection method: clinical testing. Allele origin: germline.
Comment: In summary, the available evidence is currently insufficient to determine the role of this variant in disease. Therefore, it has been classified as a Variant of Uncertain Significance. Advanced modeling of protein sequence and biophysical properties (such as structural, functional, and spatial information, amino acid conservation, physicochemical variation, residue mobility, and thermodynamic stability) performed at Invitae indicates that this missense variant is expected to disrupt IHH protein function. This sequence change replaces arginine, which is basic and polar, with serine, which is neutral and polar, at codon 101 of the IHH protein (p.Arg101Ser). This variant is not present in population databases (gnomAD no frequency). This variant has not been reported in the literature in individuals affected with IHH-related conditions. ClinVar contains an entry for this variant (Variation ID: 1478441).